The following is an entry in ClinVar:

NM_004655.4(AXIN2):c.1200+20C>T

Gene: AXIN2 (axin 2; minus strand). Cytogenetic location: 17q24.1.
Variant type: single nucleotide variant.
Coding change: c.1200+20C>T on transcript NM_004655.4 (MANE Select); 20 bases into the intron after coding-DNA position 1200, C replaced by T.
Molecular consequence: intron variant.
Genome position (GRCh38, 1-based): chr17:65,538,183, G>A on the plus strand (C>T on the coding strand, the complement: AXIN2 is on the minus strand). VCF-style: chr17-65538183-G-A. GRCh37 (hg19) VCF-style: chr17-63534301-G-A.
Other names: c.1200+20C>T (LRG_296t1, NM_001363813.1).
Identifiers: ClinVar variation 377544 (VCV000377544.15), dbSNP rs766847390, ClinGen allele CA8718820.
Genomic context (GRCh38, chr17:65,538,183, plus strand): 5'-CGCACCCCATGCACATGCGCATACACATACGAGCGCTCACGCCGTGGACGGAAGCAGGAA[G>A]AAGGCCTAGGCCGCATTACCTCTCGGATCTGCTGCAGGCGCTCCTCCAGGCTGTGGCGGC-3'

ClinVar aggregate classification (germline): Likely benign. Review status: criteria provided, multiple submitters, no conflicts (2 of 4 stars). 3 submissions from 3 submitters: Likely benign (3). Last evaluated 2026-01-31.

Conditions:
Oligodontia-cancer predisposition syndrome. Also called: TOOTH AGENESIS-COLORECTAL CANCER SYNDROME. Identifiers: Orphanet 300576, MedGen C1837750, MONDO:0012075, OMIM 608615. Disease mechanism: loss of function.

Allele frequency attached by ClinVar (database versions not stated): gnomAD 0.00003; TOPMed 0.00005.
gnomAD v4.1: 112 of 1,614,044 alleles (0.0069%); highest among the groups gnomAD compares: Non-Finnish European, 0.0085%; no homozygotes.

Submissions (3):

Labcorp Genetics (formerly Invitae), Labcorp
Classification: Likely benign for Oligodontia-cancer predisposition syndrome. Last evaluated: 2026-01-31. Review status: criteria provided, single submitter. Criteria: Invitae Variant Classification Sherloc (09022015). Collection method: clinical testing. Allele origin: germline.

Center for Genomic Medicine, Rigshospitalet, Copenhagen University Hospital
Classification: Likely benign. Last evaluated: 2025-03-04. Review status: criteria provided, single submitter. Criteria: ACMG Guidelines, 2015. Collection method: clinical testing. Allele origin: germline.

GeneDx
Classification: Likely benign. Last evaluated: 2017-04-07. Review status: criteria provided, single submitter. Criteria: GeneDx Variant Classification (06012015). Collection method: clinical testing. Allele origin: germline. Affected: yes.
Comment: This variant is considered likely benign or benign based on one or more of the following criteria: it is a conservative change, it occurs at a poorly conserved position in the protein, it is predicted to be benign by multiple in silico algorithms, and/or has population frequency not consistent with disease.